The following is an entry in ClinVar:

ClinVar aggregate classification (germline): Uncertain significance (1 of 4 stars; one submission).

Submission:

Labcorp Genetics (formerly Invitae), Labcorp
Classification: Uncertain significance. Last evaluated: 2024-01-29. Review status: criteria provided, single submitter. Criteria: Invitae Variant Classification Sherloc (09022015). Collection method: clinical testing. Allele origin: germline.
Comment: This sequence change replaces leucine, which is neutral and non-polar, with arginine, which is basic and polar, at codon 1117 of the ITGAM protein (p.Leu1117Arg). This variant is not present in population databases (gnomAD no frequency). This variant has not been reported in the literature in individuals affected with ITGAM-related conditions. ClinVar contains an entry for this variant (Variation ID: 1422360). An algorithm developed to predict the effect of missense changes on protein structure and function (PolyPhen-2) suggests that this variant is likely to be disruptive. In summary, the available evidence is currently insufficient to determine the role of this variant in disease. Therefore, it has been classified as a Variant of Uncertain Significance.

NM_000632.4(ITGAM):c.3350T>G (p.Leu1117Arg)

Gene: ITGAM (integrin subunit alpha M; plus strand). Cytogenetic location: 16p11.2.
Variant type: single nucleotide variant.
Coding change: c.3350T>G on transcript NM_000632.4 (MANE Select); coding-DNA position 3350, T replaced by G.
Protein change: p.Leu1117Arg; replaces leucine 1117 with arginine.
Molecular consequence: missense variant.
Genome position (GRCh38, 1-based): chr16:31,331,238, T>G. VCF-style: chr16-31331238-T-G. GRCh37 (hg19) VCF-style: chr16-31342559-T-G.
Other names: c.3353T>G, p.Leu1118Arg (NM_001145808.2); short protein forms L1118R, L1117R.
Identifiers: ClinVar variation 1422360 (VCV001422360.6), dbSNP rs1472764760, ClinGen allele CA395706539.